The following is an entry in ClinVar:

ClinVar aggregate classification (germline): Uncertain significance (1 of 4 stars; one submission).

Submission:

Labcorp Genetics (formerly Invitae), Labcorp
Classification: Uncertain significance. Last evaluated: 2025-06-10. Review status: criteria provided, single submitter. Criteria: Invitae Variant Classification Sherloc (09022015). Collection method: clinical testing. Allele origin: germline.
Comment: This sequence change replaces alanine, which is neutral and non-polar, with valine, which is neutral and non-polar, at codon 464 of the MYLK3 protein (p.Ala464Val). This variant is not present in population databases (gnomAD no frequency). This variant has not been reported in the literature in individuals affected with MYLK3-related conditions. An algorithm developed to predict the effect of missense changes on protein structure and function (PolyPhen-2) suggests that this variant is likely to be tolerated. In summary, the available evidence is currently insufficient to determine the role of this variant in disease. Therefore, it has been classified as a Variant of Uncertain Significance.

NM_182493.3(MYLK3):c.1391C>T (p.Ala464Val)

Gene: MYLK3 (myosin light chain kinase 3; minus strand). Cytogenetic location: 16q11.2.
Variant type: single nucleotide variant.
Coding change: c.1391C>T on transcript NM_182493.3 (MANE Select); coding-DNA position 1391, C replaced by T.
Protein change: p.Ala464Val; replaces alanine 464 with valine.
Molecular consequence: missense variant.
Genome position (GRCh38, 1-based): chr16:46,732,279, G>A on the plus strand (C>T on the coding strand, the complement: MYLK3 is on the minus strand). VCF-style: chr16-46732279-G-A. GRCh37 (hg19) VCF-style: chr16-46766191-G-A.
Other names: c.368C>T, p.Ala123Val (NM_001308301.1); short protein forms A123V, A464V.
Identifiers: ClinVar variation 4781602 (VCV004781602.1).
Genomic context (GRCh38, chr16:46,732,279, plus strand): 5'-CTGCCAGCCTCGGCGCCTGGGGGCATCCTCCTTACTGCTTCAGCTCTCACCGGAGCCCTG[G>A]CTGCACAGTCCTGCTCAGGCTCAGGGTTTCCCGCCCCTGGGCTTTTGCCCTGCTGCAGGC-3'
Protein context (NP_872299.2, residues 454-474): GNPEPEQDCA[Ala464Val]RAPVRAEAVR